The following is an entry in ClinVar:

NM_015307.2(ENTREP2):c.247G>A (p.Val83Ile)

Gene: ENTREP2 (endosomal transmembrane epsin interactor 2; minus strand). Cytogenetic location: 15q13.1.
Variant type: single nucleotide variant.
Coding change: c.247G>A on transcript NM_015307.2 (MANE Select); coding-DNA position 247, G replaced by A.
Protein change: p.Val83Ile; replaces valine 83 with isoleucine.
Molecular consequence: missense variant. On other transcripts: 5 prime UTR variant (3).
Genome position (GRCh38, 1-based): chr15:29,381,804, C>T on the plus strand (G>A on the coding strand, the complement: ENTREP2 is on the minus strand). VCF-style: chr15-29381804-C-T. GRCh37 (hg19) VCF-style: chr15-29674008-C-T.
Other names: c.247G>A, p.Val83Ile (NM_001387214.1); c.-42G>A (NM_001387215.1, NM_001387216.1, NM_001387217.1); short protein forms V83I.
Identifiers: ClinVar variation 4813099 (VCV004813099.1).

ClinVar aggregate classification (germline): Uncertain significance (1 of 4 stars; one submission).

Conditions:
Congenital portosystemic shunt. Identifiers: Orphanet 480531, MedGen C1290495, MONDO:0018811.

gnomAD v4.1: 178 of 1,551,572 alleles (0.011%); highest among the groups gnomAD compares: East Asian, 0.31%; no homozygotes.

Submission:

Department of Pediatrics, Graduate School of Medical Sciences, Kyushu University
Classification: Uncertain significance for Congenital portosystemic shunt. Last evaluated: 2026-02-27. Review status: criteria provided, single submitter. Criteria: ACMG Guidelines, 2015. Collection method: research. Allele origin: germline. Affected: yes.
Comment: Both variants are rare or absent in population databases such as gnomAD, and in silico prediction tools including CADD suggest potential deleterious effects. However, the relationship between this gene and CPSS has not been established. Therefore, the clinical significance of this variant is currently classified as a variant of uncertain significance (VUS).